The following is an entry in ClinVar:

ClinVar aggregate classification (germline): Uncertain significance (1 of 4 stars; one submission).

Submission:

Ambry Genetics
Classification: Uncertain significance. Last evaluated: 2026-03-20. Review status: criteria provided, single submitter. Criteria: Ambry Variant Classification Scheme 2023. Collection method: clinical testing. Allele origin: germline.
Comment: The c.4231_4236delCAGGAA variant (also known as p.Q1411_E1412del) is located in coding exon 11 of the MLH3 gene. This variant results from an in-frame CAGGAA deletion at nucleotide positions 4231 to 4236. This results in the in-frame deletion of glutamine and glutamic acid at codons 1411 and 1412. This amino acid region is well conserved in available vertebrate species. In addition, this variant is predicted to be deleterious by in silico analysis (Choi Y et al. PLoS ONE. 2012; 7(10):e46688).Based on the available evidence, the clinical significance of this variant remains unclear.

NM_001040108.2(MLH3):c.4231_4236del (p.Gln1411_Glu1412del)

Gene: MLH3 (mutL homolog 3; minus strand). Cytogenetic location: 14q24.3.
Variant type: Deletion.
Coding change: c.4231_4236del on transcript NM_001040108.2 (MANE Select); coding-DNA positions 4231 to 4236, 6 bases deleted (CAGGAA; older notation c.4231_4236delCAGGAA).
Protein change: p.Gln1411_Glu1412del.
Molecular consequence: inframe deletion. On other transcripts: inframe indel (1).
Genome position (GRCh38, 1-based): chr14:75,018,835-75,018,840, TTCCTG deleted on the plus strand (CAGGAA on the coding strand, the reverse complement: MLH3 is on the minus strand); deleting any 6 consecutive bases within chr14:75,018,835-75,018,844 gives the same sequence; the c. name uses the placement nearest the transcript's 3' end. VCF-style (leftmost placement, unchanged base first): chr14-75018834-TTTCCTG-T. GRCh37 (hg19) VCF-style: chr14-75485537-TTTCCTG-T.
Other names: c.4159_4164del, p.Gln1387_Glu1388del (NM_014381.3); c.4231_4236delCAGGAA (NM_001040108.1).
Identifiers: ClinVar variation 4860165 (VCV004860165.1).
Genomic context (GRCh38, chr14:75,018,834, plus strand): 5'-AAAGAAAGAGAAAATAAACTTTGCTCCCTCCTGCTCCTGTTAGTCATTAATGTACCTGTT[TTTCCTG>T]TTCCAAGTGGTCTATGTCAGCTAACGGCAGCATAGAAGGTCTCCCGTGAGCACACTGGAA-3'